The following is an entry in ClinVar:

NM_005708.5(GPC6):c.1643T>C (p.Leu548Pro)

Gene: GPC6 (glypican 6; plus strand). Cytogenetic location: 13q32.1.
Variant type: single nucleotide variant.
Coding change: c.1643T>C on transcript NM_005708.5 (MANE Select); coding-DNA position 1643, T replaced by C.
Protein change: p.Leu548Pro; replaces leucine 548 with proline.
Molecular consequence: missense variant.
Genome position (GRCh38, 1-based): chr13:94,403,192, T>C. VCF-style: chr13-94403192-T-C. GRCh37 (hg19) VCF-style: chr13-95055446-T-C.
Other names: c.1643T>C (NM_005708.3); short protein forms L548P.
Identifiers: ClinVar variation 1947218 (VCV001947218.6), dbSNP rs753964564, ClinGen allele CA7017236.

ClinVar aggregate classification (germline): Uncertain significance. Review status: criteria provided, multiple submitters, no conflicts (2 of 4 stars). 2 submissions from 2 submitters: Uncertain significance (2). Last evaluated 2023-12-11.

Conditions:
Inborn genetic diseases. Identifiers: MedGen C0950123, MeSH D030342.

Allele frequency attached by ClinVar (database versions not stated): gnomAD exomes 0.00001; gnomAD 0.00003; TOPMed 0.00003; ExAC 0.00007.
gnomAD v4.1: 13 of 1,612,940 alleles (0.00081%); highest among the groups gnomAD compares: East Asian, 0.029%; no homozygotes.

Submissions (2):

Ambry Genetics
Classification: Uncertain significance for Inborn genetic diseases. Last evaluated: 2023-12-11. Review status: criteria provided, single submitter. Criteria: Ambry Variant Classification Scheme 2023. Collection method: clinical testing. Allele origin: germline.

Labcorp Genetics (formerly Invitae), Labcorp
Classification: Uncertain significance. Last evaluated: 2022-07-25. Review status: criteria provided, single submitter. Criteria: Invitae Variant Classification Sherloc (09022015). Collection method: clinical testing. Allele origin: germline.
Comment: In summary, the available evidence is currently insufficient to determine the role of this variant in disease. Therefore, it has been classified as a Variant of Uncertain Significance. Algorithms developed to predict the effect of missense changes on protein structure and function are either unavailable or do not agree on the potential impact of this missense change (SIFT: "Tolerated"; PolyPhen-2: "Probably Damaging"; Align-GVGD: "Class C0"). This variant has not been reported in the literature in individuals affected with GPC6-related conditions. This variant is present in population databases (rs753964564, gnomAD 0.1%). This sequence change replaces leucine, which is neutral and non-polar, with proline, which is neutral and non-polar, at codon 548 of the GPC6 protein (p.Leu548Pro).